The following is an entry in ClinVar:

NM_001256007.3(PNPLA8):c.1971C>T (p.Ser657=)

Gene: PNPLA8 (patatin like domain 8, phospholipase A2; minus strand). Cytogenetic location: 7q31.1.
Variant type: single nucleotide variant.
Coding change: c.1971C>T on transcript NM_001256007.3 (MANE Select); coding-DNA position 1971, C replaced by T.
Protein change: p.Ser657=; no amino-acid change (serine 657 retained).
Molecular consequence: synonymous variant.
Genome position (GRCh38, 1-based): chr7:108,479,287, G>A on the plus strand (C>T on the coding strand, the complement: PNPLA8 is on the minus strand). VCF-style: chr7-108479287-G-A. GRCh37 (hg19) VCF-style: chr7-108119731-G-A.
Other names: p.Ser657=; c.1971C>T, p.Ser657= (NM_001256008.3, NM_015723.5); c.1785C>T, p.Ser595= (NM_001256009.3); c.1671C>T, p.Ser557= (NM_001256010.3, NM_001256011.3).
Identifiers: ClinVar variation 778027 (VCV000778027.40), dbSNP rs34848302, ClinGen allele CA4439411.

ClinVar aggregate classification (germline): Benign/Likely benign. Review status: criteria provided, multiple submitters, no conflicts (2 of 4 stars). 5 submissions from 5 submitters: Benign (4); Likely benign (1). Last evaluated 2026-09-01.

Conditions:
PNPLA8-related disorder. Also called: PNPLA8-related condition.

Allele frequency attached by ClinVar (database versions not stated): 1000 Genomes Project 30x 0.00281; 1000 Genomes Project 0.00300; TOPMed 0.00573; ESP Exome Variant Server 0.00623; gnomAD 0.00636 and 0.00644; gnomAD exomes 0.00739 and 0.00769; ExAC 0.00750.
gnomAD v4.1: 12,148 of 1,609,186 alleles (0.75%); highest among the groups gnomAD compares: Middle Eastern, 1.2%; 55 homozygotes.

Submissions (5):

CeGaT Center for Human Genetics Tuebingen
Classification: Likely benign. Last evaluated: 2026-09-01. Review status: criteria provided, single submitter. Criteria: CeGaT Center For Human Genetics Tuebingen Variant Classification Criteria Version 2. Collection method: clinical testing. Allele origin: germline. Affected: yes. Observed: 27 variant alleles.
Comment: PNPLA8: BP4, BS2

PreventionGenetics, part of Exact Sciences
Classification: Benign for PNPLA8-related condition. Last evaluated: 2026-05-06. Review status: criteria provided, single submitter. Criteria: ACMG Guidelines, 2015. Collection method: clinical testing. Allele origin: germline.
Comment: This variant is classified as benign based on ACMG/AMP sequence variant interpretation guidelines (Richards et al. 2015 PMID: 25741868, with internal and published modifications).

Labcorp Genetics (formerly Invitae), Labcorp
Classification: Benign. Last evaluated: 2026-01-27. Review status: criteria provided, single submitter. Criteria: Invitae Variant Classification Sherloc (09022015). Collection method: clinical testing. Allele origin: germline.

Mayo Clinic Laboratories, Mayo Clinic
Classification: Benign. Last evaluated: 2024-07-18. Review status: criteria provided, single submitter. Criteria: ACMG Guidelines, 2015. Collection method: clinical testing. Allele origin: germline. Observed: 12 variant alleles.
Comment: BA1, BS2, BP4, BP7

Breakthrough Genomics
Classification: Benign. Review status: criteria provided, single submitter. Criteria: ACMG Guidelines, 2015. Collection method: not provided. Allele origin: germline. Inheritance: Autosomal recessive inheritance. Affected: yes.